The following is an entry in ClinVar:

NM_017636.4(TRPM4):c.3191G>A (p.Arg1064His)

Gene: TRPM4 (transient receptor potential cation channel subfamily M member 4; plus strand). Cytogenetic location: 19q13.33.
Variant type: single nucleotide variant.
Coding change: c.3191G>A on transcript NM_017636.4 (MANE Select); coding-DNA position 3191, G replaced by A.
Protein change: p.Arg1064His; replaces arginine 1064 with histidine.
Molecular consequence: missense variant.
Genome position (GRCh38, 1-based): chr19:49,210,268, G>A. VCF-style: chr19-49210268-G-A. GRCh37 (hg19) VCF-style: chr19-49713525-G-A.
Other names: c.2756G>A, p.Arg919His (NM_001195227.2); c.2846G>A, p.Arg949His (NM_001321281.2); c.1583G>A, p.Arg528His (NM_001321282.2); c.2669G>A, p.Arg890His (NM_001321283.2); c.2129G>A, p.Arg710His (NM_001321285.2); c.3191G>A (NM_017636.3); short protein forms R710H, R919H, R949H, R528H, R1064H, R890H.
Identifiers: ClinVar variation 2132580 (VCV002132580.5), dbSNP rs2514238410, ClinGen allele CA406771726.
Genomic context (GRCh38, chr19:49,210,268, plus strand): 5'-GTTACACATTCGGCAAAGTACAGGGCAACAGCGATCTCTACTGGAAGGCGCAGCGTTACC[G>A]CCTCATCCGGGAATTCCACTCTCGGCCCGCGCTGGCCCCGCCCTTTATCGTCATCTCCCA-3'
Protein context (NP_060106.2, residues 1054-1074): SDLYWKAQRY[Arg1064His]LIREFHSRPA

ClinVar aggregate classification (germline): Uncertain significance. Review status: criteria provided, multiple submitters, no conflicts (2 of 4 stars). 2 submissions from 2 submitters: Uncertain significance (2). Last evaluated 2024-08-11.

Conditions:
Progressive familial heart block type IB (PFHB1B). Identifiers: Orphanet 871, MedGen C1970298, MONDO:0011474, OMIM 604559.
Cardiovascular phenotype. Identifiers: MedGen CN230736.

Allele frequency attached by ClinVar (database versions not stated): gnomAD exomes below 0.00001.
gnomAD v4.1: 1 of 1,614,212 alleles (0.000062%); highest among the groups gnomAD compares: Non-Finnish European, 0.000085%; no homozygotes.

Submissions (2):

Ambry Genetics
Classification: Uncertain significance for Cardiovascular phenotype. Last evaluated: 2024-08-11. Review status: criteria provided, single submitter. Criteria: Ambry Variant Classification Scheme 2023. Collection method: clinical testing. Allele origin: germline.
Comment: The p.R1064H variant (also known as c.3191G>A), located in coding exon 21 of the TRPM4 gene, results from a G to A substitution at nucleotide position 3191. The arginine at codon 1064 is replaced by histidine, an amino acid with highly similar properties. This amino acid position is conserved. In addition, this alteration is predicted to be tolerated by in silico analysis. Based on the available evidence, the clinical significance of this variant remains unclear.

Labcorp Genetics (formerly Invitae), Labcorp
Classification: Uncertain significance for Progressive familial heart block type IB. Last evaluated: 2022-05-03. Review status: criteria provided, single submitter. Criteria: Invitae Variant Classification Sherloc (09022015). Collection method: clinical testing. Allele origin: germline.
Comment: This sequence change replaces arginine, which is basic and polar, with histidine, which is basic and polar, at codon 1064 of the TRPM4 protein (p.Arg1064His). In summary, the available evidence is currently insufficient to determine the role of this variant in disease. Therefore, it has been classified as a Variant of Uncertain Significance. Algorithms developed to predict the effect of missense changes on protein structure and function (SIFT, PolyPhen-2, Align-GVGD) all suggest that this variant is likely to be tolerated. This variant has not been reported in the literature in individuals affected with TRPM4-related conditions. This variant is not present in population databases (gnomAD no frequency).